The following is an entry in ClinVar:

ClinVar aggregate classification (germline): Uncertain significance (1 of 4 stars; one submission).

gnomAD v4.1: 27 of 1,612,998 alleles (0.0017%); highest among the groups gnomAD compares: Non-Finnish European, 0.0023%; no homozygotes.

Submission:

Labcorp Genetics (formerly Invitae), Labcorp
Classification: Uncertain significance. Last evaluated: 2025-08-09. Review status: criteria provided, single submitter. Criteria: Invitae Variant Classification Sherloc (09022015). Collection method: clinical testing. Allele origin: germline.
Comment: This sequence change replaces aspartic acid, which is acidic and polar, with glutamic acid, which is acidic and polar, at codon 206 of the PDX1 protein (p.Asp206Glu). This variant is present in population databases (no rsID available, gnomAD 0.004%). This variant has not been reported in the literature in individuals affected with PDX1-related conditions. Invitae Evidence Modeling of protein sequence and biophysical properties (such as structural, functional, and spatial information, amino acid conservation, physicochemical variation, residue mobility, and thermodynamic stability) indicates that this missense variant is not expected to disrupt PDX1 protein function with a negative predictive value of 80%. In summary, the available evidence is currently insufficient to determine the role of this variant in disease. Therefore, it has been classified as a Variant of Uncertain Significance.

NM_000209.4(PDX1):c.618C>A (p.Asp206Glu)

Gene: PDX1 (pancreatic and duodenal homeobox 1; plus strand). Cytogenetic location: 13q12.2.
Variant type: single nucleotide variant.
Coding change: c.618C>A on transcript NM_000209.4 (MANE Select); coding-DNA position 618, C replaced by A.
Protein change: p.Asp206Glu; replaces aspartic acid 206 with glutamic acid.
Molecular consequence: missense variant.
Genome position (GRCh38, 1-based): chr13:27,924,467, C>A. VCF-style: chr13-27924467-C-A. GRCh37 (hg19) VCF-style: chr13-28498604-C-A.
Other names: short protein forms D206E.
Identifiers: ClinVar variation 4699915 (VCV004699915.1).